The following is an entry in ClinVar:

NM_020433.5(JPH2):c.1207C>G (p.Gln403Glu)

Gene: JPH2 (junctophilin 2; minus strand). Cytogenetic location: 20q13.12.
Variant type: single nucleotide variant.
Coding change: c.1207C>G on transcript NM_020433.5 (MANE Select); coding-DNA position 1207, C replaced by G.
Protein change: p.Gln403Glu; replaces glutamine 403 with glutamic acid.
Molecular consequence: missense variant.
Genome position (GRCh38, 1-based): chr20:44,118,586, G>C on the plus strand (C>G on the coding strand, the complement: JPH2 is on the minus strand). VCF-style: chr20-44118586-G-C. GRCh37 (hg19) VCF-style: chr20-42747226-G-C.
Other names: short protein forms Q403E.
Identifiers: ClinVar variation 1063937 (VCV001063937.9), dbSNP rs955381296, ClinGen allele CA314643243.

ClinVar aggregate classification (germline): Uncertain significance (1 of 4 stars; one submission).

Conditions:
Hypertrophic cardiomyopathy. Also called: HYPERTROPHIC MYOCARDIOPATHY. Identifiers: Orphanet 217569, MedGen C0007194, MeSH D002312, MONDO:0005045, HP:0001639.

Submission:

Labcorp Genetics (formerly Invitae), Labcorp
Classification: Uncertain significance for Hypertrophic cardiomyopathy. Last evaluated: 2022-07-05. Review status: criteria provided, single submitter. Criteria: Invitae Variant Classification Sherloc (09022015). Collection method: clinical testing. Allele origin: germline.
Comment: In summary, the available evidence is currently insufficient to determine the role of this variant in disease. Therefore, it has been classified as a Variant of Uncertain Significance. Algorithms developed to predict the effect of missense changes on protein structure and function are either unavailable or do not agree on the potential impact of this missense change (SIFT: "Tolerated"; PolyPhen-2: "Possibly Damaging"; Align-GVGD: "Class C0"). ClinVar contains an entry for this variant (Variation ID: 1063937). This variant has not been reported in the literature in individuals affected with JPH2-related conditions. This variant is not present in population databases (gnomAD no frequency). This sequence change replaces glutamine, which is neutral and polar, with glutamic acid, which is acidic and polar, at codon 403 of the JPH2 protein (p.Gln403Glu).